The following is an entry in ClinVar:

NM_020381.4(PDSS2):c.533T>C (p.Leu178Pro)

Gene: PDSS2 (decaprenyl diphosphate synthase subunit 2; minus strand). Cytogenetic location: 6q21.
Variant type: single nucleotide variant.
Coding change: c.533T>C on transcript NM_020381.4 (MANE Select); coding-DNA position 533, T replaced by C.
Protein change: p.Leu178Pro; replaces leucine 178 with proline.
Molecular consequence: missense variant.
Genome position (GRCh38, 1-based): chr6:107,274,126, A>G on the plus strand (T>C on the coding strand, the complement: PDSS2 is on the minus strand). VCF-style: chr6-107274126-A-G. GRCh37 (hg19) VCF-style: chr6-107595330-A-G.
Other names: short protein forms L178P.
Identifiers: ClinVar variation 2042309 (VCV002042309.4), dbSNP rs778396444, ClinGen allele CA3946099.

ClinVar aggregate classification (germline): Uncertain significance (1 of 4 stars; one submission).

Allele frequency attached by ClinVar (database versions not stated): gnomAD 0.00001; gnomAD exomes 0.00001; TOPMed 0.00001; ExAC 0.00002.
gnomAD v4.1: 5 of 1,613,608 alleles (0.00031%); highest among the groups gnomAD compares: Admixed American, 0.0083%; no homozygotes.

Submission:

Labcorp Genetics (formerly Invitae), Labcorp
Classification: Uncertain significance. Last evaluated: 2022-04-10. Review status: criteria provided, single submitter. Criteria: Invitae Variant Classification Sherloc (09022015). Collection method: clinical testing. Allele origin: germline.
Comment: Algorithms developed to predict the effect of missense changes on protein structure and function are either unavailable or do not agree on the potential impact of this missense change (SIFT: "Tolerated"; PolyPhen-2: "Possibly Damaging"; Align-GVGD: "Class C0"). In summary, the available evidence is currently insufficient to determine the role of this variant in disease. Therefore, it has been classified as a Variant of Uncertain Significance. This variant has not been reported in the literature in individuals affected with PDSS2-related conditions. This variant is present in population databases (rs778396444, gnomAD 0.01%). This sequence change replaces leucine, which is neutral and non-polar, with proline, which is neutral and non-polar, at codon 178 of the PDSS2 protein (p.Leu178Pro).